The following is an entry in ClinVar:

NM_000435.3(NOTCH3):c.2981del (p.Gly994fs)

Gene: NOTCH3 (notch receptor 3; minus strand). Cytogenetic location: 19p13.12.
Variant type: Deletion.
Coding change: c.2981del on transcript NM_000435.3 (MANE Select); coding-DNA position 2981, one base deleted (G; older notation c.2981delG).
Protein change: p.Gly994fs; shifts the reading frame from glycine 994.
Molecular consequence: frameshift variant.
Genome position (GRCh38, 1-based): chr19:15,180,974, C deleted on the plus strand (G on the coding strand, the reverse complement: NOTCH3 is on the minus strand); the first of 3 consecutive C bases (chr19:15,180,974-15,180,976); deleting any one gives the same sequence. VCF-style (leftmost placement, unchanged base first): chr19-15180973-GC-G. GRCh37 (hg19) VCF-style: chr19-15291784-GC-G.
Other names: short protein forms G994fs.
Identifiers: ClinVar variation 2921071 (VCV002921071.1), dbSNP rs757442133, ClinGen allele CA9263218.
Genomic context (GRCh38, chr19:15,180,973, plus strand): 5'-AGGATCCCAGGCAGGCTCCTCCCCCAGGTCCCCAGTAACTCCACCCACCTGGCACTGCGG[GC>G]CCGTGAAGCTCTCGAGGCAGGTGCAGCGGAAGCCAGGGTGGGCGGCGCTGCAGACGCCCC-3'

ClinVar aggregate classification (germline): Uncertain significance (1 of 4 stars; one submission).

Submission:

ARUP Laboratories, Molecular Genetics and Genomics, ARUP Laboratories
Classification: Uncertain significance. Last evaluated: 2023-09-06. Review status: criteria provided, single submitter. Criteria: ARUP Molecular Germline Variant Investigation Process 2024. Collection method: clinical testing. Allele origin: germline.
Comment: The NOTCH3 c.2981del; p.Gly994AlafsTer278 variant (rs757442133), to our knowledge, is not reported in the medical literature or gene specific databases. This variant is only observed on one allele in the Genome Aggregation Database, indicating it is not a common polymorphism. This variant causes a frameshift by deleting a single nucleotide, so it is predicted to result in a truncated protein or mRNA subject to nonsense-mediated decay. Most pathogenic NOTCH3 variants occur in exons 2-24 and either create or destroy a cysteine residue within an EGF-like domain, truncating variants are not associated with CADASIL (Rutten 2014). Although p.Gly994AlafsTer278 does not follow the known mechanism of disease, due to its low population frequency its clinical significance is uncertain. References: Rutten JW et al. Interpretation of NOTCH3 mutations in the diagnosis of CADASIL. Expert Rev Mol Diagn. 2014 Jun;14(5):593-603. PMID: 24844136.